The following is an entry in ClinVar:

ClinVar aggregate classification (germline): Benign (1 of 4 stars; one submission).

Conditions:
Neutral lipid storage myopathy (NLSDM). Also called: NEUTRAL LIPID STORAGE DISEASE WITHOUT ICHTHYOSIS. Identifiers: Orphanet 98908, MedGen C1853136, MONDO:0012545, OMIM 610717.

Allele frequency attached by ClinVar (database versions not stated): TOPMed 0.01429; 1000 Genomes Project 0.01498; 1000 Genomes Project 30x 0.01655.

Submission:

Illumina Laboratory Services, Illumina
Classification: Benign for Neutral lipid storage myopathy. Last evaluated: 2018-01-13. Review status: criteria provided, single submitter. Criteria: ICSL Variant Classification Criteria 13 December 2019. Collection method: clinical testing. Allele origin: germline.
Comment: This variant was observed in the ICSL laboratory as part of a predisposition screen in an ostensibly healthy population. It had not been previously curated by ICSL or reported in the Human Gene Mutation Database (HGMD: prior to June 1st, 2018), and was therefore a candidate for classification through an automated scoring system. Utilizing variant allele frequency, disease prevalence and penetrance estimates, and inheritance mode, an automated score was calculated to assess if this variant is too frequent to cause the disease. Based on the score and internal cut-off values, a variant classified as benign is not then subjected to further curation. The score for this variant resulted in a classification of benign for this disease.

NM_020376.4(PNPLA2):c.*596C>G

Gene: PNPLA2 (patatin like domain 2, triacylglycerol lipase; plus strand). Cytogenetic location: 11p15.5.
Variant type: single nucleotide variant.
Coding change: c.*596C>G on transcript NM_020376.4 (MANE Select); 596 bases downstream of the stop codon, C replaced by G.
Molecular consequence: 3 prime UTR variant.
Genome position (GRCh38, 1-based): chr11:825,458, C>G. VCF-style: chr11-825458-C-G. GRCh37 (hg19) VCF-style: chr11-825458-C-G.
Identifiers: ClinVar variation 306316 (VCV000306316.5), dbSNP rs74045166, ClinGen allele CA10631636.